The following is an entry in ClinVar:

ClinVar aggregate classification (germline): Benign/Likely benign. Review status: criteria provided, multiple submitters, no conflicts (2 of 4 stars). 3 submissions from 3 submitters: Benign (1); Likely benign (2). Last evaluated 2025-08-03.

Conditions:
Hereditary cancer-predisposing syndrome. Also called: Tumor predisposition; Hereditary neoplastic syndrome; Neoplastic Syndromes, Hereditary; Hereditary Cancer Syndrome. Identifiers: Orphanet 140162, MedGen C0027672, MeSH D009386, MONDO:0015356.
BAP1-related tumor predisposition syndrome (TPDS1). Also called: Tumor susceptibility linked to germline BAP1 mutations; BAP1 tumor predisposition syndrome; COMMON Syndrome; TUMOR PREDISPOSITION SYNDROME 1. Identifiers: Orphanet 289539, MedGen C3280492, MONDO:0013692, OMIM 614327.

Submissions (3):

Labcorp Genetics (formerly Invitae), Labcorp
Classification: Likely benign for BAP1-related tumor predisposition syndrome. Last evaluated: 2025-08-03. Review status: criteria provided, single submitter. Criteria: Invitae Variant Classification Sherloc (09022015). Collection method: clinical testing. Allele origin: germline.

Myriad Genetics, Inc.
Classification: Benign for BAP1-related tumor predisposition syndrome. Last evaluated: 2024-07-16. Review status: criteria provided, single submitter. Criteria: Myriad Autosomal Dominant, Autosomal Recessive and X-Linked Classification Criteria (2023). Collection method: clinical testing. Allele origin: unknown.
Comment: This variant is considered benign. This variant is a silent/synonymous amino acid change and it is not expected to impact splicing.

Ambry Genetics
Classification: Likely benign for Hereditary cancer-predisposing syndrome. Last evaluated: 2019-03-20. Review status: criteria provided, single submitter. Criteria: Ambry Variant Classification Scheme 2023. Collection method: clinical testing. Allele origin: germline.

NM_004656.4(BAP1):c.1281G>A (p.Gly427=)

Gene: BAP1 (BRCA1 associated deubiquitinase 1; minus strand). Cytogenetic location: 3p21.1.
Variant type: single nucleotide variant.
Coding change: c.1281G>A on transcript NM_004656.4 (MANE Select); coding-DNA position 1281, G replaced by A.
Protein change: p.Gly427=; no amino-acid change (glycine 427 retained).
Molecular consequence: synonymous variant.
Genome position (GRCh38, 1-based): chr3:52,403,864, C>T on the plus strand (G>A on the coding strand, the complement: BAP1 is on the minus strand). VCF-style: chr3-52403864-C-T. GRCh37 (hg19) VCF-style: chr3-52437880-C-T.
Identifiers: ClinVar variation 818785 (VCV000818785.13), dbSNP rs1578221293, ClinGen allele CA433885797.